The following is an entry in ClinVar:

NM_022114.4(PRDM16):c.3285-241T>C

Gene: PRDM16 (PR/SET domain 16; plus strand). Cytogenetic location: 1p36.32.
Variant type: single nucleotide variant.
Coding change: c.3285-241T>C on transcript NM_022114.4 (MANE Select); 241 bases into the intron before coding-DNA position 3285, T replaced by C.
Molecular consequence: intron variant.
Genome position (GRCh38, 1-based): chr1:3,430,631, T>C. VCF-style: chr1-3430631-T-C. GRCh37 (hg19) VCF-style: chr1-3347195-T-C.
Other names: c.3285-241T>C (NM_199454.3).
Identifiers: ClinVar variation 679663 (VCV000679663.1), dbSNP rs116563480, ClinGen allele CA16989574.

ClinVar aggregate classification (germline): Likely benign (1 of 4 stars; one submission).

Allele frequency attached by ClinVar (database versions not stated): TOPMed 0.00904; gnomAD 0.00947; 1000 Genomes Project 0.01058; 1000 Genomes Project 30x 0.01140.
gnomAD v4.1: 1,331 of 152,352 alleles (0.87%); highest among the groups gnomAD compares: African/African-American, 3%; 21 homozygotes.

Submission:

GeneDx
Classification: Likely benign. Last evaluated: 2018-06-16. Review status: criteria provided, single submitter. Criteria: GeneDx Variant Classification (06012015). Collection method: clinical testing. Allele origin: germline. Affected: yes.
Comment: This variant is considered likely benign or benign based on one or more of the following criteria: it is a conservative change, it occurs at a poorly conserved position in the protein, it is predicted to be benign by multiple in silico algorithms, and/or has population frequency not consistent with disease.